The following is an entry in ClinVar:

NM_004006.3(DMD):c.3299C>G (p.Thr1100Arg)

Gene: DMD (dystrophin; minus strand). Cytogenetic location: Xp21.1.
Variant type: single nucleotide variant.
Coding change: c.3299C>G on transcript NM_004006.3 (MANE Select); coding-DNA position 3299, C replaced by G.
Protein change: p.Thr1100Arg; replaces threonine 1100 with arginine.
Molecular consequence: missense variant.
Genome position (GRCh38, 1-based): chrX:32,463,572, G>C on the plus strand (C>G on the coding strand, the complement: DMD is on the minus strand). VCF-style: chrX-32463572-G-C. GRCh37 (hg19) VCF-style: chrX-32481689-G-C.
Other names: c.3275C>G, p.Thr1092Arg (NM_000109.4); c.3287C>G, p.Thr1096Arg (NM_004009.3); c.2930C>G, p.Thr977Arg (NM_004010.3); short protein forms T1092R, T1096R, T1100R, T977R.
Identifiers: ClinVar variation 1504524 (VCV001504524.8), dbSNP rs2148419733, ClinGen allele CA412664585.
Genomic context (GRCh38, chrX:32,463,572, plus strand): 5'-TCTGCTTCATTCTTTATCTTCTGCCCACCTTCATTGACACTGTTTAGACTGGGCTGAATT[G>C]TCTGAATATCACTGACTAAAAGCTAAGAAAATAAATCAATTTAAGCCAGCTGAAAAAAAT-3'
Protein context (NP_003997.2, residues 1090-1110): QCRLLVSDIQ[Thr1100Arg]IQPSLNSVNE

ClinVar aggregate classification (germline): Uncertain significance (1 of 4 stars; one submission).

Conditions:
Duchenne muscular dystrophy (DMD). Also called: Duchenne Muscular Dystrophy (DMD); MUSCULAR DYSTROPHY, PSEUDOHYPERTROPHIC PROGRESSIVE, DUCHENNE TYPE. Identifiers: Orphanet 98896, MedGen C0013264, MONDO:0010679, OMIM 310200.

Submission:

Labcorp Genetics (formerly Invitae), Labcorp
Classification: Uncertain significance for Duchenne muscular dystrophy. Last evaluated: 2021-07-11. Review status: criteria provided, single submitter. Criteria: Invitae Variant Classification Sherloc (09022015). Collection method: clinical testing. Allele origin: germline.
Comment: This sequence change replaces threonine with arginine at codon 1100 of the DMD protein (p.Thr1100Arg). The threonine residue is highly conserved and there is a moderate physicochemical difference between threonine and arginine. This variant is not present in population databases (ExAC no frequency). This variant has not been reported in the literature in individuals affected with DMD-related conditions. Algorithms developed to predict the effect of missense changes on protein structure and function are either unavailable or do not agree on the potential impact of this missense change (SIFT: "Tolerated"; PolyPhen-2: "Probably Damaging"; Align-GVGD: "Class C0"). In summary, the available evidence is currently insufficient to determine the role of this variant in disease. Therefore, it has been classified as a Variant of Uncertain Significance.